The following is an entry in ClinVar:

NM_130468.4(CHST14):c.239G>A (p.Gly80Asp)

Gene: CHST14 (carbohydrate sulfotransferase 14; plus strand). Cytogenetic location: 15q15.1.
Variant type: single nucleotide variant.
Coding change: c.239G>A on transcript NM_130468.4 (MANE Select); coding-DNA position 239, G replaced by A.
Protein change: p.Gly80Asp; replaces glycine 80 with aspartic acid.
Molecular consequence: missense variant.
Genome position (GRCh38, 1-based): chr15:40,471,452, G>A. VCF-style: chr15-40471452-G-A. GRCh37 (hg19) VCF-style: chr15-40763651-G-A.
Other names: p.Gly80Asp; c.239G>A (NM_130468.3); short protein forms G80D.
Identifiers: ClinVar variation 597719 (VCV000597719.16), dbSNP rs371189136, ClinGen allele CA7481565.

ClinVar aggregate classification (germline): Uncertain significance. Review status: criteria provided, multiple submitters, no conflicts (2 of 4 stars). 6 submissions from 6 submitters: Uncertain significance (6). Last evaluated 2026-05-21.

Conditions:
Ehlers-Danlos syndrome, musculocontractural type (EDSMC). Also called: Adducted thumb, clubfoot, progressive joint and skin laxity syndrome; ARTHROGRYPOSIS, DISTAL, WITH PECULIAR FACIES AND HYDRONEPHROSIS; DUNDAR SYNDROME; ADDUCTED THUMB-CLUBFOOT SYNDROME. Identifiers: Orphanet 2953, MedGen C1866294, MONDO:0011142.
Cardiovascular phenotype. Identifiers: MedGen CN230736.

Allele frequency attached by ClinVar (database versions not stated): gnomAD exomes 0.00003; ExAC 0.00009; ESP Exome Variant Server 0.00023; TOPMed 0.00002; gnomAD 0.00002.

Submissions (6):

Women's Health and Genetics/Laboratory Corporation of America, LabCorp
Classification: Uncertain significance. Last evaluated: 2026-05-21. Review status: criteria provided, single submitter. Criteria: LabCorp Variant Classification Summary - May 2015. Collection method: clinical testing. Allele origin: germline.
Comment: Variant summary: CHST14 c.239G>A (p.Gly80Asp) results in a non-conservative amino acid change in the encoded protein sequence. Algorithms developed to predict the effect of missense changes on protein structure and function are either unavailable or do not agree on the potential impact of this missense change. The variant allele was found at a frequency of 2.6e-05 in 194316 control chromosomes. The available data on variant occurrences in the general population are insufficient to allow any conclusion about variant significance. To our knowledge, no occurrence of c.239G>A in individuals affected with CHST14-related conditions and no experimental evidence demonstrating its impact on protein function have been reported. ClinVar contains an entry for this variant (Variation ID: 597719). Based on the evidence outlined above, the variant was classified as uncertain significance.

Labcorp Genetics (formerly Invitae), Labcorp
Classification: Uncertain significance for Ehlers-Danlos syndrome, musculocontractural type. Last evaluated: 2025-11-18. Review status: criteria provided, single submitter. Criteria: Invitae Variant Classification Sherloc (09022015). Collection method: clinical testing. Allele origin: germline.
Comment: This sequence change replaces glycine, which is neutral and non-polar, with aspartic acid, which is acidic and polar, at codon 80 of the CHST14 protein (p.Gly80Asp). The frequency data for this variant in the population databases is considered unreliable, as metrics indicate poor data quality at this position in the gnomAD database. This variant has not been reported in the literature in individuals affected with CHST14-related conditions. ClinVar contains an entry for this variant (Variation ID: 597719). An algorithm developed to predict the effect of missense changes on protein structure and function outputs the following: PolyPhen-2: "Benign". The aspartic acid amino acid residue is found in multiple mammalian species, which suggests that this missense change does not adversely affect protein function. In summary, the available evidence is currently insufficient to determine the role of this variant in disease. Therefore, it has been classified as a Variant of Uncertain Significance.

Ambry Genetics
Classification: Uncertain significance for Cardiovascular phenotype. Last evaluated: 2025-09-11. Review status: criteria provided, single submitter. Criteria: Ambry Variant Classification Scheme 2023. Collection method: clinical testing. Allele origin: germline.

Mayo Clinic Laboratories, Mayo Clinic
Classification: Uncertain significance. Last evaluated: 2025-05-18. Review status: criteria provided, single submitter. Criteria: ACMG Guidelines, 2015. Collection method: clinical testing. Allele origin: germline. Observed: 1 variant allele.
Comment: BP4_moderate

GeneDx
Classification: Uncertain significance. Last evaluated: 2025-01-21. Review status: criteria provided, single submitter. Criteria: GeneDx Variant Classification Process June 2021. Collection method: clinical testing. Allele origin: germline. Affected: yes.
Comment: Not observed at significant frequency in large population cohorts (gnomAD); In silico analysis indicates that this missense variant does not alter protein structure/function; Observed in three heterozygous individuals and one homozygous individual from a large Biobank cohort, however clinical information was not provided (PMID: 36777185); This variant is associated with the following publications: (PMID: 36777185)

Eurofins Ntd Llc (ga)
Classification: Uncertain significance. Last evaluated: 2018-06-27. Review status: criteria provided, single submitter. Criteria: EGL ClinVar v180209 classification definitions. Collection method: clinical testing. Allele origin: germline. Observed: 1 variant allele, 1 heterozygote.